The following is an entry in ClinVar:

NM_000587.4(C7):c.1924_1925del (p.His643fs)

Gene: C7 (complement C7; plus strand). Cytogenetic location: 5p13.1.
Variant type: Microsatellite.
Coding change: c.1924_1925del on transcript NM_000587.4 (MANE Select); coding-DNA positions 1924 to 1925, 2 bases deleted (AG; older notation c.1924_1925delAG).
Protein change: p.His643fs; shifts the reading frame from histidine 643.
Molecular consequence: frameshift variant.
Genome position (GRCh38, 1-based): chr5:40,972,444-40,972,445, AG deleted; deleting any 2 consecutive bases within chr5:40,972,442-40,972,445 gives the same sequence; the c. name uses the placement nearest the transcript's 3' end. VCF-style (leftmost placement, unchanged base first): chr5-40972441-CAG-C. GRCh37 (hg19) VCF-style: chr5-40972543-CAG-C.
Other names: C7, 2-BP DEL, 1922AG; c.1924_1925del (NM_000587.2); short protein forms H643fs.
Identifiers: ClinVar variation 280140 (VCV000280140.11), dbSNP rs764871530, ClinGen allele CA3250153.
Genomic context (GRCh38, chr5:40,972,441, plus strand): 5'-TTTTGCTCTCTTTTATCTTTAGAAATTGCCTGTGTTCTACCTGTACTGATGGATGGCATA[CAG>C]AGTCACCCCCAAAAACCTTTCTACACAGTTGGTGAGAAGGTGACTGTTTCCTGTTCAGGT-3'

ClinVar aggregate classification (germline): Pathogenic. Review status: criteria provided, multiple submitters, no conflicts (2 of 4 stars). 4 submissions from 4 submitters: Pathogenic (3). 1 of the submissions does not count toward it. Last evaluated 2025-11-17.

Conditions:
Complement component 7 deficiency (C7D). Also called: C7 DEFICIENCY. Identifiers: MedGen C1864694, MONDO:0012412, OMIM 610102.

Submissions (4):

Labcorp Genetics (formerly Invitae), Labcorp
Classification: Pathogenic. Last evaluated: 2025-11-17. Review status: criteria provided, single submitter. Criteria: Invitae Variant Classification Sherloc (09022015). Collection method: clinical testing. Allele origin: germline.
Comment: This sequence change creates a premature translational stop signal (p.His643Profs*10) in the C7 gene. It is expected to result in an absent or disrupted protein product. Loss-of-function variants in C7 are known to be pathogenic (PMID: 9856499, 17407100). This variant is present in population databases (rs764871530, gnomAD 0.06%). This premature translational stop signal has been observed in individual(s) with C7 deficiency: (PMID: 15554930). This variant is also known as 1924delAG; S620 X 630. ClinVar contains an entry for this variant (Variation ID: 280140). For these reasons, this variant has been classified as Pathogenic.

GeneDx
Classification: Pathogenic. Last evaluated: 2024-09-19. Review status: criteria provided, single submitter. Criteria: GeneDx Variant Classification Process June 2021. Collection method: clinical testing. Allele origin: germline. Affected: yes.
Comment: Frameshift variant predicted to result in protein truncation or nonsense mediated decay in a gene for which loss of function is a known mechanism of disease; This variant is associated with the following publications: (PMID: 15554930, 31589614)

Fulgent Genetics
Classification: Pathogenic for Complement component 7 deficiency. Last evaluated: 2021-12-04. Review status: criteria provided, single submitter. Criteria: ACMG Guidelines, 2015. Collection method: clinical testing. Allele origin: unknown.

OMIM
Classification: Pathogenic for C7 DEFICIENCY. Last evaluated: 2006-06-01. Review status: no assertion criteria provided. Collection method: literature only. Allele origin: germline. Not counted in ClinVar's aggregate classification.

Literature cited by the submitters: PubMed 9856499 (cited by Labcorp Genetics (formerly Invitae), Labcorp); PubMed 17407100 (cited by Labcorp Genetics (formerly Invitae), Labcorp); PubMed 15554930 (cited by Labcorp Genetics (formerly Invitae), Labcorp and OMIM); PubMed 16771861 (cited by OMIM).